The following is an entry in ClinVar:

NM_002439.5(MSH3):c.1276_1277delinsGG (p.Leu426Gly)

Gene: MSH3 (mutS homolog 3; plus strand). Cytogenetic location: 5q14.1.
Variant type: Indel.
Coding change: c.1276_1277delinsGG on transcript NM_002439.5 (MANE Select); coding-DNA positions 1276 to 1277, CT replaced by GG.
Protein change: p.Leu426Gly; replaces leucine 426 with glycine.
Molecular consequence: missense variant.
Genome position (GRCh38, 1-based): chr5:80,679,029-80,679,030, CT replaced by GG. VCF-style: chr5-80679029-CT-GG. GRCh37 (hg19) VCF-style: chr5-79974848-CT-GG.
Other names: short protein forms L426G.
Identifiers: ClinVar variation 3620133 (VCV003620133.2).

ClinVar aggregate classification (germline): Uncertain significance (1 of 4 stars; one submission).

Submission:

Labcorp Genetics (formerly Invitae), Labcorp
Classification: Uncertain significance. Last evaluated: 2025-02-18. Review status: criteria provided, single submitter. Criteria: Invitae Variant Classification Sherloc (09022015). Collection method: clinical testing. Allele origin: germline.
Comment: This sequence change replaces leucine, which is neutral and non-polar, with glycine, which is neutral and non-polar, at codon 426 of the MSH3 protein (p.Leu426Gly). Information on the frequency of this variant in the gnomAD database is not available, as this variant may be reported differently in the database. This variant has not been reported in the literature in individuals affected with MSH3-related conditions. An algorithm developed to predict the effect of missense changes on protein structure and function (PolyPhen-2) suggests that this variant is likely to be disruptive. In summary, the available evidence is currently insufficient to determine the role of this variant in disease. Therefore, it has been classified as a Variant of Uncertain Significance.